The following is an entry in ClinVar:

ClinVar aggregate classification (germline): Uncertain significance (1 of 4 stars; one submission).

Submission:

Labcorp Genetics (formerly Invitae), Labcorp
Classification: Uncertain significance. Last evaluated: 2022-04-29. Review status: criteria provided, single submitter. Criteria: Invitae Variant Classification Sherloc (09022015). Collection method: clinical testing. Allele origin: germline.
Comment: In summary, the available evidence is currently insufficient to determine the role of this variant in disease. Therefore, it has been classified as a Variant of Uncertain Significance. Advanced modeling of protein sequence and biophysical properties (such as structural, functional, and spatial information, amino acid conservation, physicochemical variation, residue mobility, and thermodynamic stability) performed at Invitae indicates that this missense variant is expected to disrupt CPLANE1 protein function. This variant has not been reported in the literature in individuals affected with CPLANE1-related conditions. This variant is not present in population databases (gnomAD no frequency). This sequence change replaces glycine, which is neutral and non-polar, with valine, which is neutral and non-polar, at codon 891 of the CPLANE1 protein (p.Gly891Val).

NM_001384732.1(CPLANE1):c.2672G>T (p.Gly891Val)

Gene: CPLANE1 (ciliogenesis and planar polarity effector complex subunit 1; minus strand). Cytogenetic location: 5p13.2.
Variant type: single nucleotide variant.
Coding change: c.2672G>T on transcript NM_001384732.1 (MANE Select); coding-DNA position 2672, G replaced by T.
Protein change: p.Gly891Val; replaces glycine 891 with valine.
Molecular consequence: missense variant.
Genome position (GRCh38, 1-based): chr5:37,221,398, C>A on the plus strand (G>T on the coding strand, the complement: CPLANE1 is on the minus strand). VCF-style: chr5-37221398-C-A. GRCh37 (hg19) VCF-style: chr5-37221500-C-A.
Other names: c.2672G>T, p.Gly891Val (NM_023073.4); short protein forms G891V.
Identifiers: ClinVar variation 2127959 (VCV002127959.4), dbSNP rs1024667283, ClinGen allele CA117053346.